The following is an entry in ClinVar:

NM_177438.3(DICER1):c.154C>T (p.Leu52Phe)

Gene: DICER1 (dicer 1, ribonuclease III; minus strand). Cytogenetic location: 14q32.13.
Variant type: single nucleotide variant.
Coding change: c.154C>T on transcript NM_177438.3 (MANE Select); coding-DNA position 154, C replaced by T.
Protein change: p.Leu52Phe; replaces leucine 52 with phenylalanine.
Molecular consequence: missense variant.
Genome position (GRCh38, 1-based): chr14:95,132,668, G>A on the plus strand (C>T on the coding strand, the complement: DICER1 is on the minus strand). VCF-style: chr14-95132668-G-A. GRCh37 (hg19) VCF-style: chr14-95599005-G-A.
Other names: c.154C>T, p.Leu52Phe (NM_001195573.1, NM_001271282.3, NM_001291628.2 and 1 more transcripts); short protein forms L52F.
Identifiers: ClinVar variation 851380 (VCV000851380.11), dbSNP rs1595466704, ClinGen allele CA390890164.
Genomic context (GRCh38, chr14:95,132,668, plus strand): 5'-ATGTCTTCCCTGAGCCAGTGTTTAAACAGACGATGGTATTATGATCCAGAGCTGCTTCAA[G>A]CAGTTCAACCTAGAAACATGGTGAAAAAAAAGTTATGCACTTCTTACCTAAGTACAAAAT-3'
Protein context (NP_803187.1, residues 42-62): YTPRKYQVEL[Leu52Phe]EAALDHNTIV

ClinVar aggregate classification (germline): Uncertain significance (1 of 4 stars; one submission).

Conditions:
DICER1-related tumor predisposition. Also called: DICER1 syndrome; DICER1-related pleuropulmonary blastoma cancer predisposition syndrome. Identifiers: Orphanet 284343, MedGen C3839822, MONDO:0100216.

Submission:

Labcorp Genetics (formerly Invitae), Labcorp
Classification: Uncertain significance for DICER1-related tumor predisposition. Last evaluated: 2025-01-06. Review status: criteria provided, single submitter. Criteria: Invitae Variant Classification Sherloc (09022015). Collection method: clinical testing. Allele origin: germline.
Comment: This sequence change replaces leucine, which is neutral and non-polar, with phenylalanine, which is neutral and non-polar, at codon 52 of the DICER1 protein (p.Leu52Phe). This variant is not present in population databases (gnomAD no frequency). This variant has not been reported in the literature in individuals affected with DICER1-related conditions. ClinVar contains an entry for this variant (Variation ID: 851380). Invitae Evidence Modeling of protein sequence and biophysical properties (such as structural, functional, and spatial information, amino acid conservation, physicochemical variation, residue mobility, and thermodynamic stability) indicates that this missense variant is not expected to disrupt DICER1 protein function with a negative predictive value of 95%. In summary, the available evidence is currently insufficient to determine the role of this variant in disease. Therefore, it has been classified as a Variant of Uncertain Significance.